The following is an entry in ClinVar:

NM_000395.3(CSF2RB):c.2035C>G (p.Leu679Val)

Gene: CSF2RB (colony stimulating factor 2 receptor subunit beta; plus strand). Cytogenetic location: 22q12.3.
Variant type: single nucleotide variant.
Coding change: c.2035C>G on transcript NM_000395.3 (MANE Select); coding-DNA position 2035, C replaced by G.
Protein change: p.Leu679Val; replaces leucine 679 with valine.
Molecular consequence: missense variant.
Genome position (GRCh38, 1-based): chr22:36,937,843, C>G. VCF-style: chr22-36937843-C-G. GRCh37 (hg19) VCF-style: chr22-37333885-C-G.
Other names: c.2053C>G, p.Leu685Val (NM_001410827.1); short protein forms L679V, L685V.
Identifiers: ClinVar variation 2784474 (VCV002784474.3), dbSNP rs2518009725, ClinGen allele CA411410693.

ClinVar aggregate classification (germline): Uncertain significance (1 of 4 stars; one submission).

Submission:

Labcorp Genetics (formerly Invitae), Labcorp
Classification: Uncertain significance. Last evaluated: 2023-02-16. Review status: criteria provided, single submitter. Criteria: Invitae Variant Classification Sherloc (09022015). Collection method: clinical testing. Allele origin: germline.
Comment: In summary, the available evidence is currently insufficient to determine the role of this variant in disease. Therefore, it has been classified as a Variant of Uncertain Significance. Advanced modeling of protein sequence and biophysical properties (such as structural, functional, and spatial information, amino acid conservation, physicochemical variation, residue mobility, and thermodynamic stability) performed at Invitae indicates that this missense variant is not expected to disrupt CSF2RB protein function. This variant has not been reported in the literature in individuals affected with CSF2RB-related conditions. This variant is not present in population databases (gnomAD no frequency). This sequence change replaces leucine, which is neutral and non-polar, with valine, which is neutral and non-polar, at codon 679 of the CSF2RB protein (p.Leu679Val).